The following is an entry in ClinVar:

NM_032638.5(GATA2):c.1017+572C>T

Gene: GATA2 (GATA binding protein 2; minus strand). Cytogenetic location: 3q21.3.
Variant type: single nucleotide variant.
Coding change: c.1017+572C>T on transcript NM_032638.5 (MANE Select); 572 bases into the intron after coding-DNA position 1017, C replaced by T.
Molecular consequence: intron variant.
Genome position (GRCh38, 1-based): chr3:128,483,288, G>A on the plus strand (C>T on the coding strand, the complement: GATA2 is on the minus strand). VCF-style: chr3-128483288-G-A. GRCh37 (hg19) VCF-style: chr3-128202131-G-A.
Other names: c.1017+572C>T (NM_001145662.1, NM_001145661.2).
Identifiers: ClinVar variation 566562 (VCV000566562.27), dbSNP rs1559985787, ClinGen allele CA891842731.

ClinVar aggregate classification (germline): Pathogenic/Likely pathogenic. Review status: criteria provided, multiple submitters, no conflicts (2 of 4 stars). 10 submissions from 10 submitters: Pathogenic (8); Likely pathogenic (2). Last evaluated 2026-01-21.

Conditions:
Deafness-lymphedema-leukemia syndrome. Also called: Lymphedema, primary, with myelodysplasia; Emberger syndrome. Identifiers: Orphanet 3226, MedGen C3279664, MONDO:0013540, OMIM 614038.
Monocytopenia with susceptibility to infections. Also called: GATA2 DEFICIENCY; MONOCYTOPENIA WITH SUSCEPTIBILITY TO MYCOBACTERIAL, FUNGAL, AND PAPILLOMAVIRUS INFECTIONS AND MYELODYSPLASIA; COMBINED IMMUNODEFICIENCY WITH SUSCEPTIBILITY TO MYCOBACTERIAL, VIRAL, AND FUNGAL INFECTIONS; MONOCYTOPENIA AND MYCOBACTERIAL INFECTION SYNDROME; Dendritic cell, monocyte, B lymphocyte, and natural killer lymphocyte deficiency; IMMUNODEFICIENCY 21. Identifiers: Orphanet 228423, MedGen C3280030, MONDO:0013607, OMIM 614172.
GATA2-related disorder. Also called: GATA2-Related Disorders; GATA2-related condition.
Inborn genetic diseases. Identifiers: MedGen C0950123, MeSH D030342.
GATA2 deficiency with susceptibility to MDS/AML. Identifiers: MedGen CN300066, MONDO:0042982.

Submissions (10):

Labcorp Genetics (formerly Invitae), Labcorp
Classification: Pathogenic for Monocytopenia with susceptibility to infections; Deafness-lymphedema-leukemia syndrome. Last evaluated: 2026-01-21. Review status: criteria provided, single submitter. Criteria: Invitae Variant Classification Sherloc (09022015). Collection method: clinical testing. Allele origin: germline.
Comment: This sequence change falls in intron 4 of the GATA2 gene. It does not directly change the encoded amino acid sequence of the GATA2 protein. This variant is not present in population databases (gnomAD no frequency). This variant has been observed in individuals with clinical features of GATA2 deficiency and myelodysplastic syndrome (PMID: 23365458, 23502222, 26492932, 26702063, 27013649, 29156497, 29724903; internal data). It has also been observed to segregate with disease in related individuals. ClinVar contains an entry for this variant (Variation ID: 566562). Algorithms developed to predict the effect of variants on gene product structure and function are not available or were not evaluated for this variant. Experimental studies have shown that this variant affects GATA2 function (PMID: 30620726). Algorithms developed to predict the effect of sequence changes on RNA splicing suggest that this variant is not likely to affect RNA splicing. For these reasons, this variant has been classified as Pathogenic.

ARUP Laboratories, Molecular Genetics and Genomics, ARUP Laboratories
Classification: Pathogenic. Last evaluated: 2025-05-21. Review status: criteria provided, single submitter. Criteria: ARUP Molecular Germline Variant Investigation Process 2024. Collection method: clinical testing. Allele origin: germline.
Comment: The GATA2 c.1017+572C>T variant (rs1559985787, ClinVar Variation ID 566562) is reported in the literature in several individuals with GATA2 deficiency presenting as MonoMAC or myelodysplastic or bone marrow failure syndrome (Abou Dalle 2019, Hsu 2013, Lin 2024, Roncareggi 2023, West 2022). In addition, somatic variants in other hematological malignancies-related genes have been reported in these affected individuals. This variant is absent from the Genome Aggregation Database (v2.1.1), indicating it is not a common polymorphism. This is an intronic variant and computational analyses (Alamut Visual Plus v.1.12) predict that this variant does not alter splicing. However, this variant, located within intron 4, disrupts the GATA2 enhancer element. In vitro functional analyses demonstrate reduced GATA2 expression in affected individuals (Hsu 2013). Based on available information, this variant is considered to be pathogenic. References: Abou Dalle I et al. Germline Genetic Predisposition to Myeloid Neoplasia From GATA2 Gene Mutations: Lessons Learned From Two Cases. JCO Precis Oncol. 2019 PMID: 32914014 Hsu AP et al. GATA2 haploinsufficiency caused by mutations in a conserved intronic element leads to MonoMAC syndrome. Blood. 2013 May 9. PMID: 23502222 Lin F et al. Uncovering the Genetic Etiology of Inherited Bone Marrow Failure Syndromes Using a Custom-Designed Next-Generation Sequencing Panel. J Mol Diagn. 2024 Mar. PMID: 38103590 Roncareggi S et al. A Nationwide Study of GATA2 Deficiency in Italy Reveals Novel Symptoms and Genotype-phenotype Association. J Clin Immunol. 2023 Nov. PMID: 37837580 West RR et al. ASXL1 and STAG2 are common mutations in GATA2 deficiency patients with bone marrow disease and myelodysplastic syndrome. Blood Adv. 2022 Feb 8. PMID: 34529785

GeneDx
Classification: Pathogenic. Last evaluated: 2025-01-30. Review status: criteria provided, single submitter. Criteria: GeneDx Variant Classification Process June 2021. Collection method: clinical testing. Allele origin: germline.
Comment: In silico analysis indicates that this variant does not alter splicing; No data available from control populations to assess the frequency of this variant; This variant is associated with the following publications: (PMID: 23502222, 23365458, 29724903, 26702063, 29156497, 31710708, 27232273, 32088370, 21892162, 30578959, 27013649, 24227816, 24077845, 25359990, 34469508, 34529785, 35753512, 36357187, 26492932, 30620726, 30538114, Guo2024_Paper, 37837580, 37406166, 38103590, 32914014)

Ambry Genetics
Classification: Likely pathogenic for Inborn genetic diseases. Last evaluated: 2024-12-19. Review status: criteria provided, single submitter. Criteria: Ambry Variant Classification Scheme 2023. Collection method: clinical testing. Allele origin: germline.
Comment: The c.1017+572C>T intronic variant results from a C to T substitution 572 nucleotides after coding exon 3 in the GATA2 gene. This variant was reported in individuals with features consistent with GATA2 deficiency syndrome (Hsu AP et al. Blood, 2013 May;121:3830-7, S1-7; Churpek JE et al. Blood, 2015 Nov;126:2484-90; Nguyen J et al. Pigment Cell Melanoma Res, 2018 Mar;31:337-340; Donadieu J et al. Haematologica, 2018 Aug;103:1278-1287; Jung M et al. Blood Adv, 2018 Dec;2:3553-3565; Kozyra EJ et al. Blood, 2021 Dec;138:2441-2445; West RR et al. Blood Adv, 2022 Feb;6:793-807). An animal model expressing this variant exhibited phenotypes consistent with GATA2 deficiency syndrome (Soukup AA et al. J Clin Invest, 2019 Mar;129:1180-1192). This nucleotide position is highly conserved in available vertebrate species. In silico splice site analysis predicts that this alteration will not have any significant effect on splicing. This variant is considered to be rare based on population cohorts in the Genome Aggregation Database (gnomAD). Based on the majority of available evidence to date, this variant is likely to be pathogenic.

Revvity Omics, Revvity
Classification: Pathogenic. Last evaluated: 2023-10-02. Review status: criteria provided, single submitter. Criteria: ACMG Guidelines, 2015. Collection method: clinical testing. Allele origin: germline.

Blueprint Genetics
Classification: Pathogenic for GATA2-related disorders. Last evaluated: 2022-09-02. Review status: criteria provided, single submitter. Criteria: ACMG Guidelines, 2015. Collection method: clinical testing. Allele origin: germline. Affected: yes. Observed: 5 variant alleles.

Molecular Pathology Research Laboratory, SA Pathology
Classification: Pathogenic for GATA2 deficiency with susceptibility to MDS/AML; Deafness-lymphedema-leukemia syndrome. Last evaluated: 2021-07-06. Review status: criteria provided, single submitter. Criteria: ACMG Guidelines, 2015. Collection method: curation. Allele origin: germline. Inheritance: Autosomal dominant inheritance. Affected: yes. Observed: 30 variant alleles. Clinical features observed: Myelodysplasia, Acute Myeloid Leukemia, Immunodeficiency, Lymphedema, Hematological abnormality, Chronic myelomonocytic leukemia, Acute lymphoblastic leukemia, B-cell acute lymphoblastic leukemia.
Comment: PS3, PS4, PM1, PM2, PP1_Strong

Mayo Clinic Laboratories, Mayo Clinic
Classification: Pathogenic. Last evaluated: 2020-03-26. Review status: criteria provided, single submitter. Criteria: ACMG Guidelines, 2015. Collection method: clinical testing. Allele origin: germline. Observed: 3 variant alleles.
Comment: PS3, PS4, PM1, PP1_Moderate

Genetic Services Laboratory, University of Chicago
Classification: Likely pathogenic. Last evaluated: 2018-12-20. Review status: criteria provided, single submitter. Criteria: ACMG Guidelines, 2015. Collection method: clinical testing. Allele origin: germline. Affected: yes.
Comment: DNA sequence analysis of the GATA2 gene demonstrated a deep intronic sequence change in intron 4, c.1017+572C>T. This sequence change has been previously described in multiple patients with MonoMAC and/or myelodysplastic syndrome (Mace et al., 2013; Churpek et al., 2015; Hsu et al., 2013; Wlodarski, et al., 2016). This sequence change is absent from the gnomAD population database. Hsu, et al., 2013, demonstrated that the c.1017+572C>T sequence change results in a disruption of intron 5 enhancer activity and haploinsufficient expression of GATA2.

PreventionGenetics, part of Exact Sciences
Classification: Pathogenic. Last evaluated: 2016-11-08. Review status: criteria provided, single submitter. Criteria: ACMG Guidelines, 2015. Collection method: clinical testing. Allele origin: germline.

Literature cited by the submitters: PubMed 23365458 (cited by 3 submitters); PubMed 23502222 (cited by 4 submitters); PubMed 26492932 (cited by 4 submitters); PubMed 26702063 (cited by 3 submitters); PubMed 27013649 (cited by Labcorp Genetics (formerly Invitae), Labcorp and Molecular Pathology Research Laboratory, SA Pathology); PubMed 29156497 (cited by 3 submitters); PubMed 29724903 (cited by 4 submitters); PubMed 30620726 (cited by 3 submitters); PubMed 30538114 (cited by Ambry Genetics); PubMed 34469508 (cited by Ambry Genetics); PubMed 34529785 (cited by Ambry Genetics); PubMed 24227816 (cited by Molecular Pathology Research Laboratory, SA Pathology); PubMed 25359990 (cited by Molecular Pathology Research Laboratory, SA Pathology and Mayo Clinic Laboratories, Mayo Clinic); PubMed 20040766 (cited by Molecular Pathology Research Laboratory, SA Pathology and Mayo Clinic Laboratories, Mayo Clinic); PubMed 21892162 (cited by Molecular Pathology Research Laboratory, SA Pathology); PubMed 24077845 (cited by Molecular Pathology Research Laboratory, SA Pathology); PubMed 30578959 (cited by Molecular Pathology Research Laboratory, SA Pathology); PubMed 32914014 (cited by Molecular Pathology Research Laboratory, SA Pathology); PubMed 31710708 (cited by Molecular Pathology Research Laboratory, SA Pathology); PubMed 32088370 (cited by Molecular Pathology Research Laboratory, SA Pathology); PubMed 27232273 (cited by Molecular Pathology Research Laboratory, SA Pathology and Mayo Clinic Laboratories, Mayo Clinic).